The following is an entry in ClinVar:

NM_001905.4(CTPS1):c.1079A>G (p.Lys360Arg)

Gene: CTPS1 (CTP synthase 1; plus strand). Cytogenetic location: 1p34.2.
Variant type: single nucleotide variant.
Coding change: c.1079A>G on transcript NM_001905.4 (MANE Select); coding-DNA position 1079, A replaced by G.
Protein change: p.Lys360Arg; replaces lysine 360 with arginine.
Molecular consequence: missense variant. On other transcripts: non-coding transcript variant (1).
Genome position (GRCh38, 1-based): chr1:41,001,102, A>G. VCF-style: chr1-41001102-A-G. GRCh37 (hg19) VCF-style: chr1-41466774-A-G.
Other names: c.611A>G, p.Lys204Arg (NM_001301237.2); c.1079A>G (NM_001905.2); short protein forms K204R, K360R.
Identifiers: ClinVar variation 2638725 (VCV002638725.24), dbSNP rs933464624, ClinGen allele CA21144780.

ClinVar aggregate classification (germline): Uncertain significance. Review status: criteria provided, multiple submitters, no conflicts (2 of 4 stars). 2 submissions from 2 submitters: Uncertain significance (2). Last evaluated 2025-11-26.

Allele frequency attached by ClinVar (database versions not stated): TOPMed below 0.00001.
gnomAD v4.1: 11 of 1,610,760 alleles (0.00068%); highest among the groups gnomAD compares: Middle Eastern, 0.017%; no homozygotes.

Submissions (2):

Ambry Genetics
Classification: Uncertain significance. Last evaluated: 2025-11-26. Review status: criteria provided, single submitter. Criteria: Ambry Variant Classification Scheme 2023. Collection method: clinical testing. Allele origin: germline.

CeGaT Center for Human Genetics Tuebingen
Classification: Uncertain significance. Last evaluated: 2022-07-01. Review status: criteria provided, single submitter. Criteria: CeGaT Center For Human Genetics Tuebingen Variant Classification Criteria Version 2. Collection method: clinical testing. Allele origin: germline. Affected: yes. Observed: 1 variant allele.
Comment: CTPS1: PM2, PP2